The following is an entry in ClinVar:

ClinVar aggregate classification (germline): Uncertain significance (1 of 4 stars; one submission).

Submission:

GeneDx
Classification: Uncertain significance. Last evaluated: 2025-09-22. Review status: criteria provided, single submitter. Criteria: GeneDx Variant Classification Process June 2021. Collection method: clinical testing. Allele origin: germline.
Comment: Not observed at significant frequency in large population cohorts (gnomAD); In silico analysis suggests that this missense variant does not alter protein structure/function; Has not been previously published as pathogenic or benign to our knowledge

NM_001378120.1(MBD5):c.3545G>A (p.Gly1182Asp)

Gene: MBD5 (methyl-CpG binding domain protein 5; plus strand). Cytogenetic location: 2q23.1.
Variant type: single nucleotide variant.
Coding change: c.3545G>A on transcript NM_001378120.1 (MANE Select); coding-DNA position 3545, G replaced by A.
Protein change: p.Gly1182Asp; replaces glycine 1182 with aspartic acid.
Molecular consequence: missense variant.
Genome position (GRCh38, 1-based): chr2:148,485,742, G>A. VCF-style: chr2-148485742-G-A. GRCh37 (hg19) VCF-style: chr2-149243311-G-A.
Other names: c.2846G>A, p.Gly949Asp (NM_018328.5); short protein forms G1182D, G949D.
Identifiers: ClinVar variation 2502509 (VCV002502509.2), dbSNP rs2469995313, ClinGen allele CA348724333.
Genomic context (GRCh38, chr2:148,485,742, plus strand): 5'-AGAGGCATCGAATCTCCGAAGAATCACATTTATTTATATTTTATGTTTTTCAAACTGTAG[G>A]TGATATGTCATCAATAAACAATACTTTGAGTAACCATCAACTGACTCATCTACAGTCGCT-3'
Protein context (NP_001365049.1, residues 1172-1192): LNPLLGTGLL[Gly1182Asp]DMSSINNTLS